The following is an entry in ClinVar:

ClinVar aggregate classification (germline): Uncertain significance (0 of 4 stars; one submission).

Conditions:
BBS7-related disorder. Also called: BBS7-related condition.

Submission:

PreventionGenetics, part of Exact Sciences
Classification: Uncertain significance for BBS7-related condition. Last evaluated: 2024-06-15. Review status: no assertion criteria provided. Collection method: clinical testing. Allele origin: germline.
Comment: The BBS7 c.1997A>G variant is predicted to result in the amino acid substitution p.His666Arg. To our knowledge, this variant has not been reported in the literature or in a large population database, indicating this variant is rare. At this time, the clinical significance of this variant is uncertain due to the absence of conclusive functional and genetic evidence.

NM_176824.3(BBS7):c.1997A>G (p.His666Arg)

Gene: BBS7 (Bardet-Biedl syndrome 7; minus strand). Cytogenetic location: 4q27.
Variant type: single nucleotide variant.
Coding change: c.1997A>G on transcript NM_176824.3 (MANE Select); coding-DNA position 1997, A replaced by G.
Protein change: p.His666Arg; replaces histidine 666 with arginine.
Molecular consequence: missense variant.
Genome position (GRCh38, 1-based): chr4:121,828,163, T>C on the plus strand (A>G on the coding strand, the complement: BBS7 is on the minus strand). VCF-style: chr4-121828163-T-C. GRCh37 (hg19) VCF-style: chr4-122749318-T-C.
Other names: c.1997A>G, p.His666Arg (NM_018190.4); short protein forms H666R.
Identifiers: ClinVar variation 3345320 (VCV003345320.1).